The following is an entry in ClinVar:

ClinVar aggregate classification (germline): Likely pathogenic (1 of 4 stars; one submission).

Conditions:
Breast-ovarian cancer, familial, susceptibility to, 2 (BROVCA2). Also called: BRCA2 Hereditary Breast and Ovarian Cancer. Identifiers: Orphanet 145, MedGen C2675520, MONDO:0012933, OMIM 612555. Disease mechanism: loss of function.

Submission:

Dipartimento Di Medicina Di Precisione, Università Degli Studi Della Campania Luigi Vanvitelli
Classification: Likely pathogenic for Breast-ovarian cancer, familial, susceptibility to, 2. Last evaluated: 2025-07-14. Review status: criteria provided, single submitter. Criteria: ACMG Guidelines, 2015. Collection method: clinical testing. Allele origin: germline. Inheritance: Autosomal dominant inheritance. Affected: yes. Observed: 1 heterozygote.
Comment: The missense variant c.121A>C (p.Lys41Gln) in STK11, located in exon 1, results in the substitution of a highly conserved lysine residue within the kinase domain of the protein. In silico predictions (e.g., REVEL, CADD, PolyPhen-2) suggest a deleterious effect on protein function.Based on ACMG/AMP criteria (PM2, PP3, PP4), it is classified as likely pathogenic.

Literature cited by the submitters: DOI 10.1515/cclm-2012-0154.

NM_000455.5(STK11):c.121A>G (p.Lys41Glu)

Gene: STK11 (serine/threonine kinase 11; plus strand). Cytogenetic location: 19p13.3.
Variant type: single nucleotide variant.
Coding change: c.121A>G on transcript NM_000455.5 (MANE Select); coding-DNA position 121, A replaced by G.
Protein change: p.Lys41Glu; replaces lysine 41 with glutamic acid.
Molecular consequence: missense variant. On other transcripts: non-coding transcript variant (1).
Genome position (GRCh38, 1-based): chr19:1,207,034, A>G. VCF-style: chr19-1207034-A-G. GRCh37 (hg19) VCF-style: chr19-1207033-A-G.
Other names: c.121A>G, p.Lys41Glu (NM_001407255.1); short protein forms K41E.
Identifiers: ClinVar variation 4057254 (VCV004057254.1).
Genomic context (GRCh38, chr19:1,207,034, plus strand): 5'-GGTATGGACACGTTCATCCACCGCATCGACTCCACCGAGGTCATCTACCAGCCGCGCCGC[A>G]AGCGGGCCAAGCTCATCGGCAAGTACCTGATGGGGGACCTGCTGGGGGAAGGCTCTTACG-3'
Protein context (NP_000446.1, residues 31-51): STEVIYQPRR[Lys41Glu]RAKLIGKYLM